The following is an entry in ClinVar:

NM_004183.4(BEST1):c.994del (p.Met332fs)

Gene: BEST1 (bestrophin 1; plus strand). Cytogenetic location: 11q12.3.
Variant type: Deletion.
Coding change: c.994del on transcript NM_004183.4 (MANE Select); coding-DNA position 994, one base deleted (A; older notation c.994delA).
Protein change: p.Met332fs; shifts the reading frame from methionine 332.
Molecular consequence: frameshift variant. On other transcripts: non-coding transcript variant (1).
Genome position (GRCh38, 1-based): chr11:61,959,937, A deleted. VCF-style (leftmost placement, unchanged base first): chr11-61959936-GA-G. GRCh37 (hg19) VCF-style: chr11-61727408-GA-G.
Other names: c.814delA, p.Met272Trpfs (NM_001139443.3); c.733del, p.Met245fs (NM_001300786.2); c.814del, p.Met272fs (NM_001300787.2); c.676delA, p.Met226Trpfs (NM_001363591.3); c.1197delA, p.Trp400Glyfs (NM_001363592.2); c.22delA, p.Met8Trpfs (NM_001363593.3); short protein forms M245fs, M332fs, M8fs, W400fs, M226fs, M272fs.
Identifiers: ClinVar variation 953195 (VCV000953195.7), dbSNP rs1941880096, ClinGen allele CA1139661973.

ClinVar aggregate classification (germline): Pathogenic (1 of 4 stars; one submission).

Submission:

Labcorp Genetics (formerly Invitae), Labcorp
Classification: Pathogenic. Last evaluated: 2022-08-23. Review status: criteria provided, single submitter. Criteria: Invitae Variant Classification Sherloc (09022015). Collection method: clinical testing. Allele origin: germline.
Comment: This sequence change creates a premature translational stop signal (p.Met332Trpfs*37) in the BEST1 gene. It is expected to result in an absent or disrupted protein product. Loss-of-function variants in BEST1 are known to be pathogenic (PMID: 21825197). This variant is not present in population databases (gnomAD no frequency). This variant has not been reported in the literature in individuals affected with BEST1-related conditions. ClinVar contains an entry for this variant (Variation ID: 953195). For these reasons, this variant has been classified as Pathogenic.

Literature cited by the submitters: PubMed 21825197.